The following is an entry in ClinVar:

NM_197968.4(ZMYM2):c.4119T>G (p.Asp1373Glu)

Gene: ZMYM2 (zinc finger MYM-type containing 2; plus strand). Cytogenetic location: 13q12.11.
Variant type: single nucleotide variant.
Coding change: c.4119T>G on transcript NM_197968.4 (MANE Select); coding-DNA position 4119, T replaced by G.
Protein change: p.Asp1373Glu; replaces aspartic acid 1373 with glutamic acid.
Molecular consequence: missense variant. On other transcripts: non-coding transcript variant (1).
Genome position (GRCh38, 1-based): chr13:20,085,999, T>G. VCF-style: chr13-20085999-T-G. GRCh37 (hg19) VCF-style: chr13-20660139-T-G.
Other names: c.4119T>G, p.Asp1373Glu (NM_001353159.2, NM_001353162.3, NM_001353164.2 and 4 more transcripts); c.3924T>G, p.Asp1308Glu (NM_001353161.3); c.3858T>G, p.Asp1286Glu (NM_001353163.2); short protein forms D1286E, D1308E, D1373E.
Identifiers: ClinVar variation 5018067 (VCV005018067.1).

ClinVar aggregate classification (germline): Uncertain significance (1 of 4 stars; one submission).

Submission:

GeneDx
Classification: Uncertain significance. Last evaluated: 2026-03-31. Review status: criteria provided, single submitter. Criteria: GeneDx Variant Classification Process June 2021. Collection method: clinical testing. Allele origin: germline.
Comment: Not observed at significant frequency in large population cohorts (gnomAD); In silico analysis supports that this missense variant has a deleterious effect on protein structure/function; Has not been previously published as pathogenic or benign to our knowledge